The following is an entry in ClinVar:

NM_002055.5(GFAP):c.1203A>T (p.Glu401Asp)

Gene: GFAP (glial fibrillary acidic protein; minus strand). Cytogenetic location: 17q21.31.
Variant type: single nucleotide variant.
Coding change: c.1203A>T on transcript NM_002055.5 (MANE Select); coding-DNA position 1203, A replaced by T.
Protein change: p.Glu401Asp; replaces glutamic acid 401 with aspartic acid.
Molecular consequence: missense variant.
Genome position (GRCh38, 1-based): chr17:44,908,118, T>A on the plus strand (A>T on the coding strand, the complement: GFAP is on the minus strand). VCF-style: chr17-44908118-T-A. GRCh37 (hg19) VCF-style: chr17-42985486-T-A.
Other names: c.1323A>T, p.Glu441Asp (NM_001363846.2); short protein forms E401D, E441D.
Identifiers: ClinVar variation 3668420 (VCV003668420.2).

ClinVar aggregate classification (germline): Uncertain significance (1 of 4 stars; one submission).

Submission:

Labcorp Genetics (formerly Invitae), Labcorp
Classification: Uncertain significance. Last evaluated: 2025-02-24. Review status: criteria provided, single submitter. Criteria: Invitae Variant Classification Sherloc (09022015). Collection method: clinical testing. Allele origin: germline.
Comment: This sequence change replaces glutamic acid, which is acidic and polar, with aspartic acid, which is acidic and polar, at codon 401 of the GFAP protein (p.Glu401Asp). This variant is not present in population databases (gnomAD no frequency). This variant has not been reported in the literature in individuals affected with GFAP-related conditions. Invitae Evidence Modeling of protein sequence and biophysical properties (such as structural, functional, and spatial information, amino acid conservation, physicochemical variation, residue mobility, and thermodynamic stability) has been performed for this missense variant. However, the output from this modeling did not meet the statistical confidence thresholds required to predict the impact of this variant on GFAP protein function. In summary, the available evidence is currently insufficient to determine the role of this variant in disease. Therefore, it has been classified as a Variant of Uncertain Significance.